The following is an entry in ClinVar:

NM_020247.5(COQ8A):c.169A>G (p.Lys57Glu)

Gene: COQ8A (coenzyme Q8A; plus strand). Cytogenetic location: 1q42.13.
Variant type: single nucleotide variant.
Coding change: c.169A>G on transcript NM_020247.5 (MANE Select); coding-DNA position 169, A replaced by G.
Protein change: p.Lys57Glu; replaces lysine 57 with glutamic acid.
Molecular consequence: missense variant.
Genome position (GRCh38, 1-based): chr1:226,961,554, A>G. VCF-style: chr1-226961554-A-G. GRCh37 (hg19) VCF-style: chr1-227149255-A-G.
Other names: short protein forms K57E.
Identifiers: ClinVar variation 2117315 (VCV002117315.5), dbSNP rs746720374, ClinGen allele CA1424938.

ClinVar aggregate classification (germline): Uncertain significance. Review status: criteria provided, multiple submitters, no conflicts (2 of 4 stars). 2 submissions from 2 submitters: Uncertain significance (2). Last evaluated 2025-08-18.

Allele frequency attached by ClinVar (database versions not stated): gnomAD 0.00001; gnomAD exomes 0.00001; ExAC 0.00003.
gnomAD v4.1: 12 of 1,611,756 alleles (0.00074%); highest among the groups gnomAD compares: South Asian, 0.012%; no homozygotes.

Submissions (2):

Labcorp Genetics (formerly Invitae), Labcorp
Classification: Uncertain significance. Last evaluated: 2025-08-18. Review status: criteria provided, single submitter. Criteria: Invitae Variant Classification Sherloc (09022015). Collection method: clinical testing. Allele origin: germline.
Comment: This sequence change replaces lysine, which is basic and polar, with glutamic acid, which is acidic and polar, at codon 57 of the COQ8A protein (p.Lys57Glu). This variant is present in population databases (rs746720374, gnomAD 0.01%). This variant has not been reported in the literature in individuals affected with COQ8A-related conditions. ClinVar contains an entry for this variant (Variation ID: 2117315). Invitae Evidence Modeling of protein sequence and biophysical properties (such as structural, functional, and spatial information, amino acid conservation, physicochemical variation, residue mobility, and thermodynamic stability) indicates that this missense variant is not expected to disrupt COQ8A protein function with a negative predictive value of 95%. In summary, the available evidence is currently insufficient to determine the role of this variant in disease. Therefore, it has been classified as a Variant of Uncertain Significance.

Blueprint Genetics
Classification: Uncertain significance. Last evaluated: 2018-09-20. Review status: criteria provided, single submitter. Criteria: ACMG Guidelines, 2015. Collection method: clinical testing. Allele origin: germline.